The following is an entry in ClinVar:

NM_005807.6(PRG4):c.2248G>A (p.Ala750Thr)

Gene: PRG4 (proteoglycan 4; plus strand). Cytogenetic location: 1q31.1.
Variant type: single nucleotide variant.
Coding change: c.2248G>A on transcript NM_005807.6 (MANE Select); coding-DNA position 2248, G replaced by A.
Protein change: p.Ala750Thr; replaces alanine 750 with threonine.
Molecular consequence: missense variant.
Genome position (GRCh38, 1-based): chr1:186,307,967, G>A. VCF-style: chr1-186307967-G-A. GRCh37 (hg19) VCF-style: chr1-186277099-G-A.
Other names: c.2125G>A, p.Ala709Thr (NM_001127708.3); c.1969G>A, p.Ala657Thr (NM_001127709.3); c.1846G>A, p.Ala616Thr (NM_001127710.3); c.2119G>A, p.Ala707Thr (NM_001303232.2); short protein forms A616T, A657T, A707T, A709T, A750T.
Identifiers: ClinVar variation 2639658 (VCV002639658.25), dbSNP rs143599637, ClinGen allele CA1296399.

ClinVar aggregate classification (germline): Likely benign. Review status: criteria provided, multiple submitters, no conflicts (2 of 4 stars). 2 submissions from 2 submitters: Likely benign (2). Last evaluated 2024-11-22.

Allele frequency attached by ClinVar (database versions not stated): 1000 Genomes Project 30x 0.00078; 1000 Genomes Project 0.00080; ExAC 0.00271; gnomAD 0.00296; ESP Exome Variant Server 0.00308; gnomAD exomes 0.00324.
gnomAD v4.1: 5,141 of 1,605,440 alleles (0.32%); highest among the groups gnomAD compares: Non-Finnish European, 0.35%; 11 homozygotes.

Submissions (2):

Blueprint Genetics
Classification: Likely benign. Last evaluated: 2024-11-22. Review status: criteria provided, single submitter. Criteria: ACMG Guidelines, 2015. Collection method: clinical testing. Allele origin: germline.

CeGaT Center for Human Genetics Tuebingen
Classification: Likely benign. Last evaluated: 2024-09-01. Review status: criteria provided, single submitter. Criteria: CeGaT Center For Human Genetics Tuebingen Variant Classification Criteria Version 2. Collection method: clinical testing. Allele origin: germline. Affected: yes. Observed: 3 variant alleles.
Comment: PRG4: BP4